The following is an entry in ClinVar:

ClinVar aggregate classification (germline): Pathogenic. Review status: criteria provided, multiple submitters, no conflicts (2 of 4 stars). 2 submissions from 2 submitters: Pathogenic (2). Last evaluated 2025-02-14.

Conditions:
Sotos syndrome (SOTOS). Also called: CEREBRAL GIGANTISM; Sotos' syndrome; Distinctive facial appearance, overgrowth in childhood, and learning disabilities or delayed development; CHROMOSOME 5q35 DELETION SYNDROME; SOTOS SYNDROME 1. Identifiers: Orphanet 821, MedGen C0175695, MONDO:0019349, OMIM 117550.

Submissions (2):

3billion
Classification: Pathogenic for Sotos syndrome. Last evaluated: 2025-02-14. Review status: criteria provided, single submitter. Criteria: ACMG Guidelines, 2015. Collection method: clinical testing. Allele origin: germline. Affected: yes.
Comment: The variant is not observed in the gnomAD v4.1.0 dataset. Predicted Consequence/Location: Stop-gained (nonsense): predicted to result in a loss or disruption of normal protein function through nonsense-mediated decay (NMD) or protein truncation. Multiple pathogenic variants are reported downstream of the variant. The variant has been reported to be associated with NSD1-related disorder (ClinVar ID: VCV000379349). Therefore, this variant is classified as Pathogenic according to the recommendation of ACMG/AMP guideline.

GeneDx
Classification: Pathogenic. Last evaluated: 2015-04-10. Review status: criteria provided, single submitter. Criteria: GeneDx Variant Classification (06012015). Collection method: clinical testing. Allele origin: germline. Affected: yes.
Comment: The S466X nonsense variant in the NSD1 gene is predicted to cause loss of normal protein function either through protein truncation or nonsense-mediated mRNA decay. It was not observed in approximately 6,500 individuals of European and African American ancestry in the NHLBI Exome Sequencing Project, indicating it is not a common benign variant in these populations. Although this variant has not been reported previously to our knowledge, many other nonsense variants have beenreported in the Human Gene Mutation Database in association with Sotos syndrome (Stenson et al., 2014). We consider S466X to be a pathogenic variant.

NM_022455.5(NSD1):c.1397C>G (p.Ser466Ter)

Gene: NSD1 (nuclear receptor binding SET domain protein 1; plus strand). Cytogenetic location: 5q35.3.
Variant type: single nucleotide variant.
Coding change: c.1397C>G on transcript NM_022455.5 (MANE Select); coding-DNA position 1397, C replaced by G.
Protein change: p.Ser466Ter; replaces serine 466 with a stop codon.
Molecular consequence: nonsense.
Genome position (GRCh38, 1-based): chr5:177,209,796, C>G. VCF-style: chr5-177209796-C-G. GRCh37 (hg19) VCF-style: chr5-176636797-C-G.
Other names: c.524C>G, p.Ser175Ter (NM_001365684.2, NM_001409306.1, NM_001409307.1 and 3 more transcripts); c.1397C>G, p.Ser466Ter (NM_001409301.1, NM_001409302.1, NM_001409303.1); c.977C>G, p.Ser326Ter (NM_001409304.1); c.644C>G, p.Ser215Ter (NM_001409305.1); short protein forms S466*, S197*, S215*, S326*, S175*.
Identifiers: ClinVar variation 379349 (VCV000379349.3), dbSNP rs1057520581, ClinGen allele CA16605330.
Genomic context (GRCh38, chr5:177,209,796, plus strand): 5'-CAATCAAGTTGGACAGTGAAGAAGATATGCCATTTGAAGACTGCACAAATGATCCTGAGT[C>G]AGAACATGACCTGTTGCTTAATGGCTGTTTGAAATCACTGGCTTTTGATTCTGAACATTC-3'